The following is an entry in ClinVar:

ClinVar aggregate classification (germline): Uncertain significance. Review status: criteria provided, multiple submitters, no conflicts (2 of 4 stars). 2 submissions from 2 submitters: Uncertain significance (2). Last evaluated 2026-05-07.

Allele frequency attached by ClinVar (database versions not stated): TOPMed 0.00001.

Submissions (2):

Women's Health and Genetics/Laboratory Corporation of America, LabCorp
Classification: Uncertain significance. Last evaluated: 2026-05-07. Review status: criteria provided, single submitter. Criteria: LabCorp Variant Classification Summary - May 2015. Collection method: clinical testing. Allele origin: germline.
Comment: Variant summary: GATA6 c.898C>G (p.Leu300Val) results in a conservative amino acid change in the encoded protein sequence. Algorithms developed to predict the effect of missense changes on protein structure and function are either unavailable or do not agree on the potential impact of this missense change. The variant was absent in 30338 control chromosomes. The available data on variant occurrences in the general population are insufficient to allow any conclusion about variant significance. To our knowledge, no occurrence of c.898C>G in individuals affected with GATA6-related conditions and no experimental evidence demonstrating its impact on protein function have been reported. ClinVar contains an entry for this variant (Variation ID: 452132). Based on the evidence outlined above, the variant was classified as uncertain significance.

GeneDx
Classification: Uncertain significance. Last evaluated: 2023-10-01. Review status: criteria provided, single submitter. Criteria: GeneDx Variant Classification Process June 2021. Collection method: clinical testing. Allele origin: germline. Affected: yes.
Comment: Not observed at significant frequency in large population cohorts (gnomAD); In silico analysis supports that this missense variant does not alter protein structure/function; Has not been previously published as pathogenic or benign to our knowledge

NM_005257.6(GATA6):c.898C>G (p.Leu300Val)

Gene: GATA6 (GATA binding protein 6; plus strand). Cytogenetic location: 18q11.2.
Variant type: single nucleotide variant.
Coding change: c.898C>G on transcript NM_005257.6 (MANE Select); coding-DNA position 898, C replaced by G.
Protein change: p.Leu300Val; replaces leucine 300 with valine.
Molecular consequence: missense variant.
Genome position (GRCh38, 1-based): chr18:22,172,042, C>G. VCF-style: chr18-22172042-C-G. GRCh37 (hg19) VCF-style: chr18-19752003-C-G.
Other names: short protein forms L300V.
Identifiers: ClinVar variation 452132 (VCV000452132.5), dbSNP rs1555628823, ClinGen allele CA401801308.